The following is an entry in ClinVar:

NM_001164508.2(NEB):c.8063A>G (p.His2688Arg)

Gene: NEB (nebulin; minus strand). Cytogenetic location: 2q23.3.
Variant type: single nucleotide variant.
Coding change: c.8063A>G on transcript NM_001164508.2 (MANE Select); coding-DNA position 8063, A replaced by G.
Protein change: p.His2688Arg; replaces histidine 2688 with arginine.
Molecular consequence: missense variant.
Genome position (GRCh38, 1-based): chr2:151,643,247, T>C on the plus strand (A>G on the coding strand, the complement: NEB is on the minus strand). VCF-style: chr2-151643247-T-C. GRCh37 (hg19) VCF-style: chr2-152499761-T-C.
Other names: c.8063A>G, p.His2688Arg (NM_001164507.2, NM_001271208.2, NM_004543.5); short protein forms H2688R.
Identifiers: ClinVar variation 705083 (VCV000705083.23), dbSNP rs201119402, ClinGen allele CA1909692.

ClinVar aggregate classification (germline): Conflicting classifications of pathogenicity. Review status: criteria provided, conflicting classifications (1 of 4 stars). 7 submissions from 7 submitters: Uncertain significance (3); Likely benign (3). 1 of the submissions does not count toward it. Last evaluated 2026-01-03.

Conditions:
Inborn genetic diseases. Identifiers: MedGen C0950123, MeSH D030342.
Nemaline myopathy 2 (NEM2). Also called: Nemaline myopathy 2, autosomal recessive. Identifiers: MedGen C1850569, MONDO:0009725, OMIM 256030.

Allele frequency attached by ClinVar (database versions not stated): gnomAD 0.00006; TOPMed 0.00008; ESP Exome Variant Server 0.00017; gnomAD exomes 0.00021 and 0.00039; ExAC 0.00042.
gnomAD v4.1: 340 of 1,613,938 alleles (0.021%); highest among the groups gnomAD compares: South Asian, 0.21%; 2 homozygotes.

Submissions (7):

Labcorp Genetics (formerly Invitae), Labcorp
Classification: Likely benign for Nemaline myopathy 2. Last evaluated: 2026-01-03. Review status: criteria provided, single submitter. Criteria: Invitae Variant Classification Sherloc (09022015). Collection method: clinical testing. Allele origin: germline.

Ambry Genetics
Classification: Uncertain significance for Inborn genetic diseases. Last evaluated: 2025-01-18. Review status: criteria provided, single submitter. Criteria: Ambry Variant Classification Scheme 2023. Collection method: clinical testing. Allele origin: germline.

Blueprint Genetics
Classification: Likely benign. Last evaluated: 2024-11-08. Review status: criteria provided, single submitter. Criteria: ACMG Guidelines, 2015. Collection method: clinical testing. Allele origin: germline.

GeneDx
Classification: Uncertain significance. Last evaluated: 2023-05-11. Review status: criteria provided, single submitter. Criteria: GeneDx Variant Classification Process June 2021. Collection method: clinical testing. Allele origin: germline. Affected: yes.
Comment: In silico analysis supports that this missense variant does not alter protein structure/function; Has not been previously published in association with NEB-related nemaline myopathy to our knowledge; This variant is associated with the following publications: (PMID: 28719003, 26740555)

Revvity Omics, Revvity
Classification: Likely benign. Last evaluated: 2023-04-12. Review status: criteria provided, single submitter. Criteria: ACMG Guidelines, 2015. Collection method: clinical testing. Allele origin: germline.

Mayo Clinic Laboratories, Mayo Clinic
Classification: Uncertain significance. Last evaluated: 2020-11-02. Review status: criteria provided, single submitter. Criteria: ACMG Guidelines, 2015. Collection method: clinical testing. Allele origin: germline. Observed: 1 variant allele.

Natera, Inc.
Classification: Uncertain significance for Nemaline myopathy type 2. Last evaluated: 2020-01-10. Review status: no assertion criteria provided. Collection method: clinical testing. Allele origin: germline. Not counted in ClinVar's aggregate classification.